The following is an entry in ClinVar:

ClinVar aggregate classification (germline): Likely pathogenic (1 of 4 stars; one submission).

gnomAD v4.1: 2 of 1,612,808 alleles (0.00012%); highest among the groups gnomAD compares: African/African-American, 0.0027%; no homozygotes.

Submission:

GeneDx
Classification: Likely pathogenic. Last evaluated: 2025-11-13. Review status: criteria provided, single submitter. Criteria: GeneDx Variant Classification Process June 2021. Collection method: clinical testing. Allele origin: germline.
Comment: Identified as a single heterozygous variant in a patient with sensorineural hearing loss in published literature (PMID: 34599366); Not observed at significant frequency in large population cohorts (gnomAD); In silico analysis supports that this missense variant has a deleterious effect on protein structure/function; This variant is associated with the following publications: (PMID: 34599366)

NM_000441.2(SLC26A4):c.331G>T (p.Val111Phe)

Gene: SLC26A4 (solute carrier family 26 member 4; plus strand). Cytogenetic location: 7q22.3.
Variant type: single nucleotide variant.
Coding change: c.331G>T on transcript NM_000441.2 (MANE Select); coding-DNA position 331, G replaced by T.
Protein change: p.Val111Phe; replaces valine 111 with phenylalanine.
Molecular consequence: missense variant.
Genome position (GRCh38, 1-based): chr7:107,672,164, G>T. VCF-style: chr7-107672164-G-T. GRCh37 (hg19) VCF-style: chr7-107312609-G-T.
Other names: short protein forms V111F.
Identifiers: ClinVar variation 3897354 (VCV003897354.2).